The following is an entry in ClinVar:

ClinVar aggregate classification (germline): Uncertain significance (1 of 4 stars; one submission).

gnomAD v4.1: 25 of 1,578,460 alleles (0.0016%); highest among the groups gnomAD compares: African/African-American, 0.01%; no homozygotes.

Submission:

Labcorp Genetics (formerly Invitae), Labcorp
Classification: Uncertain significance. Last evaluated: 2024-05-27. Review status: criteria provided, single submitter. Criteria: Invitae Variant Classification Sherloc (09022015). Collection method: clinical testing. Allele origin: germline.
Comment: This sequence change replaces histidine, which is basic and polar, with arginine, which is basic and polar, at codon 1096 of the TRIOBP protein (p.His1096Arg). This variant is present in population databases (rs549764410, gnomAD 0.003%). This variant has not been reported in the literature in individuals affected with TRIOBP-related conditions. An algorithm developed to predict the effect of missense changes on protein structure and function (PolyPhen-2) suggests that this variant is likely to be tolerated. In summary, the available evidence is currently insufficient to determine the role of this variant in disease. Therefore, it has been classified as a Variant of Uncertain Significance.

NM_001039141.3(TRIOBP):c.3287A>G (p.His1096Arg)

Gene: TRIOBP (TRIO and F-actin binding protein; plus strand). Cytogenetic location: 22q13.1.
Variant type: single nucleotide variant.
Coding change: c.3287A>G on transcript NM_001039141.3 (MANE Select); coding-DNA position 3287, A replaced by G.
Protein change: p.His1096Arg; replaces histidine 1096 with arginine.
Molecular consequence: missense variant.
Genome position (GRCh38, 1-based): chr22:37,725,843, A>G. VCF-style: chr22-37725843-A-G. GRCh37 (hg19) VCF-style: chr22-38121850-A-G.
Other names: short protein forms H1096R.
Identifiers: ClinVar variation 3607862 (VCV003607862.2).